The following is an entry in ClinVar:

ClinVar aggregate classification (germline): Pathogenic (1 of 4 stars; one submission).

Submission:

Labcorp Genetics (formerly Invitae), Labcorp
Classification: Pathogenic. Last evaluated: 2022-12-23. Review status: criteria provided, single submitter. Criteria: Invitae Variant Classification Sherloc (09022015). Collection method: clinical testing. Allele origin: germline.
Comment: For these reasons, this variant has been classified as Pathogenic. This variant disrupts a region of the PHEX protein in which other variant(s) (p.Arg747*) have been determined to be pathogenic (PMID: 9199930, 9768674). This suggests that this is a clinically significant region of the protein, and that variants that disrupt it are likely to be disease-causing. This variant has not been reported in the literature in individuals affected with PHEX-related conditions. This variant is not present in population databases (gnomAD no frequency). This sequence change creates a premature translational stop signal (p.Thr679Hisfs*41) in the PHEX gene. While this is not anticipated to result in nonsense mediated decay, it is expected to disrupt the last 71 amino acid(s) of the PHEX protein.

Literature cited by the submitters: PubMed 9199930; PubMed 9768674.

NM_000444.6(PHEX):c.2025_2034dup (p.Thr679fs)

Genes: PHEX (phosphate regulating endopeptidase X-linked; plus strand), PTCHD1-AS (PTCHD1 and PHEX antisense RNA; minus strand). Cytogenetic location: Xp22.11.
Variant type: Duplication.
Coding change: c.2025_2034dup on transcript NM_000444.6 (MANE Select); coding-DNA positions 2025 to 2034, 10 bases duplicated (CATCACATTC; older notation c.2025_2034dupCATCACATTC).
Protein change: p.Thr679fs; shifts the reading frame from threonine 679.
Molecular consequence: frameshift variant. On other transcripts: non-coding transcript variant (1).
Genome position (GRCh38, 1-based): chrX:22,227,566-22,227,575, CATCACATTC duplicated. VCF-style (leftmost placement, unchanged base first): chrX-22227565-G-GCATCACATTC. GRCh37 (hg19) VCF-style: chrX-22245682-G-GCATCACATTC.
Other names: c.2025_2034dup, p.Thr679fs (NM_001282754.2); short protein forms T679fs.
Identifiers: ClinVar variation 2823577 (VCV002823577.3), dbSNP rs2518676799, ClinGen allele CA2739268120.
Genomic context (GRCh38, chrX:22,227,565, plus strand): 5'-AGGCTTACAGGAAATGGATAAATGACAGAAGGCAGGGACTTGAGGAGCCTCTTCTACCAG[G>GCATCACATTC]CATCACATTCACCAACAACCAGCTCTTCTTCCTGAGTTATGCTCATGTGAGTAGACTGAG-3'